The following is an entry in ClinVar:

NM_032043.3(BRIP1):c.542A>G (p.His181Arg)

Gene: BRIP1 (BRCA1 interacting DNA helicase 1; minus strand). Cytogenetic location: 17q23.2.
Variant type: single nucleotide variant.
Coding change: c.542A>G on transcript NM_032043.3 (MANE Select); coding-DNA position 542, A replaced by G.
Protein change: p.His181Arg; replaces histidine 181 with arginine.
Molecular consequence: missense variant.
Genome position (GRCh38, 1-based): chr17:61,847,186, T>C on the plus strand (A>G on the coding strand, the complement: BRIP1 is on the minus strand). VCF-style: chr17-61847186-T-C. GRCh37 (hg19) VCF-style: chr17-59924547-T-C.
Other names: short protein forms H181R.
Identifiers: ClinVar variation 929519 (VCV000929519.3), dbSNP rs2078748128, ClinGen allele CA400483217.

ClinVar aggregate classification (germline): Uncertain significance. Review status: criteria provided, single submitter (1 of 4 stars). 2 submissions from 2 submitters: Uncertain significance (1). 1 of the submissions does not count toward it. Last evaluated 2019-11-08.

Conditions:
Fanconi anemia complementation group J. Also called: BRIP1-Related Fanconi Anemia. Identifiers: Orphanet 84, MedGen C1836860, MONDO:0012187, OMIM 609054.
Familial cancer of breast. Also called: BREAST CANCER, FAMILIAL; hereditary breast carcinoma; Hereditary breast cancer. Identifiers: Orphanet 227535, MedGen C0346153, MONDO:0016419, OMIM 114480. Disease mechanism: loss of function.

Allele frequency attached by ClinVar (database versions not stated): gnomAD exomes below 0.00001; TOPMed below 0.00001; gnomAD 0.00001.
gnomAD v4.1: 3 of 1,613,584 alleles (0.00019%); highest among the groups gnomAD compares: East Asian, 0.0067%; no homozygotes.

Submissions (2):

Labcorp Genetics (formerly Invitae), Labcorp
Classification: Uncertain significance for Hereditary Breast Carcinoma; Fanconi anemia, complementation group J. Last evaluated: 2019-11-08. Review status: criteria provided, single submitter. Criteria: Invitae Variant Classification Sherloc (09022015). Collection method: clinical testing. Allele origin: germline.
Comment: This sequence change replaces histidine with arginine at codon 181 of the BRIP1 protein (p.His181Arg). The histidine residue is weakly conserved and there is a small physicochemical difference between histidine and arginine. This variant is not present in population databases (ExAC no frequency). This variant has not been reported in the literature in individuals with BRIP1-related conditions. Algorithms developed to predict the effect of missense changes on protein structure and function output the following: SIFT: "Tolerated"; PolyPhen-2: "Benign"; Align-GVGD: "Class C0". The arginine amino acid residue is found in multiple mammalian species, suggesting that this missense change does not adversely affect protein function. These predictions have not been confirmed by published functional studies and their clinical significance is uncertain. In summary, the available evidence is currently insufficient to determine the role of this variant in disease. Therefore, it has been classified as a Variant of Uncertain Significance.

Leiden Open Variation Database
Classification: Uncertain significance. Last evaluated: 2019-08-13. Review status: no assertion criteria provided. Collection method: curation. Allele origin: germline. Affected: yes. Not counted in ClinVar's aggregate classification.
Comment: Curator: Arleen D. Auerbach. Submitter to LOVD: Yukihide Momozawa.

Literature cited by the submitters: PubMed 31214711 (cited by Leiden Open Variation Database).